The following is an entry in ClinVar:

ClinVar aggregate classification (germline): Uncertain significance. Review status: criteria provided, multiple submitters, no conflicts (2 of 4 stars). 2 submissions from 2 submitters: Uncertain significance (2). Last evaluated 2022-09-09.

Conditions:
Brugada syndrome 3 (BRGDA3). Identifiers: Orphanet 130, MedGen C2678478, MONDO:0012742, OMIM 611875.
Timothy syndrome (TS). Also called: LONG QT SYNDROME WITH SYNDACTYLY. Identifiers: Orphanet 65283, MedGen C1832916, MeSH C536962, MONDO:0010979, OMIM 601005.
Long QT syndrome 8. Identifiers: MedGen CN260585, MONDO:0032756, OMIM 618447.

Allele frequency attached by ClinVar (database versions not stated): gnomAD exomes below 0.00001.
gnomAD v4.1: 1 of 1,613,710 alleles (0.000062%); highest among the groups gnomAD compares: Non-Finnish European, 0.000085%; no homozygotes.

Submissions (2):

New York Genome Center
Classification: Uncertain significance for Brugada syndrome 3; Long QT syndrome 8; Timothy syndrome. Last evaluated: 2022-09-09. Review status: criteria provided, single submitter. Criteria: NYGC Assertion Criteria 2020. Collection method: clinical testing. Allele origin: germline. Observed: 1 heterozygote.
Comment: The c.3577G>A variant has not previously been reported in the literature in individuals affected with CACNA1C related disorders. It is present as one heterozygous allele (no homozygotes) in population databases (gnomAD v2.1.1 and v3.1.2, TOPMed Freeze 8), suggesting it is not a common benign variant in the populations represented in those databases. This variant has been deposited in ClinVar as Variant of Uncertain Significance [ClinVar ID: 1254770]. The c.3577G>A variant islocated in exon 28 of this 47-exon gene and is predicted to replace an evolutionarily conserved alanine amino acid with threonine at position 1193 of the encoded protein. In silico predictions are in favor of damaging effect for p.(Ala1193Thr) variant [(CADD v1.6 = 29.1, REVEL = 0.876)]; however, there are no functional studies to support or refute these predictions. Based on available evidence this c.3577G>A p.(Ala1193Thr) variant identified in CACNA1C is classified as a Variant of Uncertain Significance.

GeneDx
Classification: Uncertain significance. Last evaluated: 2021-06-16. Review status: criteria provided, single submitter. Criteria: GeneDx Variant Classification Process June 2021. Collection method: clinical testing. Allele origin: germline. Affected: yes.
Comment: Not observed at significant frequency in large population cohorts (Lek et al., 2016); In silico analysis supports that this missense variant has a deleterious effect on protein structure/function; Has not been previously published as pathogenic or benign to our knowledge; This variant is associated with the following publications: (PMID: 27535533)

NM_000719.7(CACNA1C):c.3577G>A (p.Ala1193Thr)

Gene: CACNA1C (calcium voltage-gated channel subunit alpha1 C; plus strand). Cytogenetic location: 12p13.33.
Variant type: single nucleotide variant.
Coding change: c.3577G>A on transcript NM_000719.7 (MANE Select); coding-DNA position 3577, G replaced by A.
Protein change: p.Ala1193Thr; replaces alanine 1193 with threonine.
Molecular consequence: missense variant.
Genome position (GRCh38, 1-based): chr12:2,610,559, G>A. VCF-style: chr12-2610559-G-A. GRCh37 (hg19) VCF-style: chr12-2719725-G-A.
Other names: c.3637G>A, p.Ala1213Thr (NM_001129827.2, NM_199460.4, NM_001129832.2); c.3577G>A, p.Ala1193Thr (NM_001129829.2, NM_001129830.3, NM_001129831.2 and 15 more transcripts); c.3568G>A, p.Ala1190Thr (NM_001129844.2); short protein forms A1190T, A1193T, A1213T.
Identifiers: ClinVar variation 1254770 (VCV001254770.4), dbSNP rs1251955384, ClinGen allele CA383376564.